The following is an entry in ClinVar:

NM_001267550.2(TTN):c.67440A>G (p.Gly22480=)

Genes: TTN (titin; minus strand), TTN-AS1 (TTN antisense RNA 1; plus strand), LOC126806423 (CDK7 strongly-dependent group 2 enhancer GRCh37_chr2:179443309-179444508; plus strand). Cytogenetic location: 2q31.2.
Variant type: single nucleotide variant.
Coding change: c.67440A>G on transcript NM_001267550.2 (MANE Select); coding-DNA position 67440, A replaced by G.
Protein change: p.Gly22480=; no amino-acid change (glycine 22480 retained).
Molecular consequence: synonymous variant.
Genome position (GRCh38, 1-based): chr2:178,579,757, T>C on the plus strand (A>G on the coding strand, the complement: TTN is on the minus strand). VCF-style: chr2-178579757-T-C. GRCh37 (hg19) VCF-style: chr2-179444484-T-C.
Other names: c.62517A>G, p.Gly20839= (NM_001256850.1); c.40245A>G, p.Gly13415= (NM_003319.4); c.59736A>G, p.Gly19912= (NM_133378.4); c.40620A>G, p.Gly13540= (NM_133432.3); c.40821A>G, p.Gly13607= (NM_133437.4).
Identifiers: ClinVar variation 4823293 (VCV004823293.4).

ClinVar aggregate classification (germline): Likely benign (1 of 4 stars; one submission).

Submission:

CeGaT Center for Human Genetics Tuebingen
Classification: Likely benign. Last evaluated: 2026-02-01. Review status: criteria provided, single submitter. Criteria: CeGaT Center For Human Genetics Tuebingen Variant Classification Criteria Version 2. Collection method: clinical testing. Allele origin: germline. Affected: yes. Observed: 1 variant allele.
Comment: TTN: PM2:Supporting, BP4, BP7